The following is an entry in ClinVar:

NM_133459.4(CCBE1):c.303G>T (p.Gln101His)

Gene: CCBE1 (collagen and calcium binding EGF domains 1; minus strand). Cytogenetic location: 18q21.32.
Variant type: single nucleotide variant.
Coding change: c.303G>T on transcript NM_133459.4 (MANE Select); coding-DNA position 303, G replaced by T.
Protein change: p.Gln101His; replaces glutamine 101 with histidine.
Molecular consequence: missense variant.
Genome position (GRCh38, 1-based): chr18:59,469,570, C>A on the plus strand (G>T on the coding strand, the complement: CCBE1 is on the minus strand). VCF-style: chr18-59469570-C-A. GRCh37 (hg19) VCF-style: chr18-57136802-C-A.
Other names: short protein forms Q101H.
Identifiers: ClinVar variation 1712595 (VCV001712595.2), dbSNP rs1911927355, ClinGen allele CA402592592.

ClinVar aggregate classification (germline): Uncertain significance (1 of 4 stars; one submission).

Submission:

GeneDx
Classification: Uncertain significance. Last evaluated: 2022-04-25. Review status: criteria provided, single submitter. Criteria: GeneDx Variant Classification Process June 2021. Collection method: clinical testing. Allele origin: germline. Affected: yes.
Comment: Not observed at significant frequency in large population cohorts (gnomAD); In silico analysis supports that this missense variant does not alter protein structure/function; Has not been previously published as pathogenic or benign to our knowledge